The following is an entry in ClinVar:

ClinVar aggregate classification (germline): Uncertain significance (1 of 4 stars; one submission).

Conditions:
Inborn genetic diseases. Identifiers: MedGen C0950123, MeSH D030342.

gnomAD v4.1: 2 of 1,613,830 alleles (0.00012%); highest among the groups gnomAD compares: Non-Finnish European, 0.00017%; no homozygotes.

Submission:

Ambry Genetics
Classification: Uncertain significance for Inborn genetic diseases. Last evaluated: 2026-05-13. Review status: criteria provided, single submitter. Criteria: Ambry Variant Classification Scheme 2023. Collection method: clinical testing. Allele origin: germline.
Comment: The p.S439F variant (also known as c.1316C>T), located in coding exon 8 of the ETV6 gene, results from a C to T substitution at nucleotide position 1316. The serine at codon 439 is replaced by phenylalanine, an amino acid with highly dissimilar properties. This amino acid position is highly conserved in available vertebrate species. In addition, the in silico prediction for this alteration is inconclusive. Based on the available evidence, the clinical significance of this variant remains unclear.

NM_001987.5(ETV6):c.1316C>T (p.Ser439Phe)

Gene: ETV6 (ETS variant transcription factor 6; plus strand). Cytogenetic location: 12p13.2.
Variant type: single nucleotide variant.
Coding change: c.1316C>T on transcript NM_001987.5 (MANE Select); coding-DNA position 1316, C replaced by T.
Protein change: p.Ser439Phe; replaces serine 439 with phenylalanine.
Molecular consequence: missense variant. On other transcripts: 3 prime UTR variant (1).
Genome position (GRCh38, 1-based): chr12:11,891,003, C>T. VCF-style: chr12-11891003-C-T. GRCh37 (hg19) VCF-style: chr12-12043937-C-T.
Other names: c.1313C>T, p.Ser438Phe (NM_001413913.1); c.1289C>T, p.Ser430Phe (NM_001413914.1); c.1052C>T, p.Ser351Phe (NM_001413915.1); c.*55C>T (NM_001413917.1); short protein forms S351F, S430F, S438F, S439F.
Identifiers: ClinVar variation 4870643 (VCV004870643.1).